The following is an entry in ClinVar:

ClinVar aggregate classification (germline): Uncertain significance (1 of 4 stars; one submission).

Conditions:
Cystic fibrosis (CF). Also called: MUCOVISCIDOSIS. Identifiers: Orphanet 586, MedGen C0010674, MONDO:0009061, OMIM 219700. Disease mechanism: loss of function.

gnomAD v4.1: 4 of 1,608,940 alleles (0.00025%); highest among the groups gnomAD compares: Non-Finnish European, 0.00034%; no homozygotes.

Submission:

Ambry Genetics
Classification: Uncertain significance for Cystic fibrosis. Last evaluated: 2019-10-24. Review status: criteria provided, single submitter. Criteria: Ambry Variant Classification Scheme 2023. Collection method: clinical testing. Allele origin: germline.
Comment: The p.E60Q variant (also known as c.178G>C), located in coding exon 3 of the CFTR gene, results from a G to C substitution at nucleotide position 178. The glutamic acid at codon 60 is replaced by glutamine, an amino acid with highly similar properties. This amino acid position is highly conserved in available vertebrate species. In addition, the in silico prediction for this alteration is inconclusive. Since supporting evidence is limited at this time, the clinical significance of this alteration remains unclear.

NM_000492.4(CFTR):c.178G>C (p.Glu60Gln)

Genes: CFTR (CF transmembrane conductance regulator; plus strand), LOC113664106 (CFTR intron 2 DNase I hypersensitive site; plus strand). Cytogenetic location: 7q31.2.
Variant type: single nucleotide variant.
Coding change: c.178G>C on transcript NM_000492.4 (MANE Select); coding-DNA position 178, G replaced by C.
Protein change: p.Glu60Gln; replaces glutamic acid 60 with glutamine.
Molecular consequence: missense variant.
Genome position (GRCh38, 1-based): chr7:117,509,047, G>C. VCF-style: chr7-117509047-G-C. GRCh37 (hg19) VCF-style: chr7-117149101-G-C.
Other names: short protein forms E60Q.
Identifiers: ClinVar variation 820080 (VCV000820080.4), dbSNP rs77284892, ClinGen allele CA368972126.